The following is an entry in ClinVar:

NM_004525.3(LRP2):c.2605C>G (p.Leu869Val)

Gene: LRP2 (LDL receptor related protein 2; minus strand). Cytogenetic location: 2q31.1.
Variant type: single nucleotide variant.
Coding change: c.2605C>G on transcript NM_004525.3 (MANE Select); coding-DNA position 2605, C replaced by G.
Protein change: p.Leu869Val; replaces leucine 869 with valine.
Molecular consequence: missense variant.
Genome position (GRCh38, 1-based): chr2:169,257,158, G>C on the plus strand (C>G on the coding strand, the complement: LRP2 is on the minus strand). VCF-style: chr2-169257158-G-C. GRCh37 (hg19) VCF-style: chr2-170113668-G-C.
Other names: short protein forms L869V.
Identifiers: ClinVar variation 2003850 (VCV002003850.4), dbSNP rs761389849, ClinGen allele CA349156715.

ClinVar aggregate classification (germline): Uncertain significance (1 of 4 stars; one submission).

Submission:

Labcorp Genetics (formerly Invitae), Labcorp
Classification: Uncertain significance. Last evaluated: 2022-06-09. Review status: criteria provided, single submitter. Criteria: Invitae Variant Classification Sherloc (09022015). Collection method: clinical testing. Allele origin: germline.
Comment: This sequence change replaces leucine, which is neutral and non-polar, with valine, which is neutral and non-polar, at codon 869 of the LRP2 protein (p.Leu869Val). In summary, the available evidence is currently insufficient to determine the role of this variant in disease. Therefore, it has been classified as a Variant of Uncertain Significance. Advanced modeling of protein sequence and biophysical properties (such as structural, functional, and spatial information, amino acid conservation, physicochemical variation, residue mobility, and thermodynamic stability) performed at Invitae indicates that this missense variant is expected to disrupt LRP2 protein function. This variant has not been reported in the literature in individuals affected with LRP2-related conditions. This variant is not present in population databases (gnomAD no frequency).